The following is an entry in ClinVar:

NM_001848.3(COL6A1):c.1226C>A (p.Ala409Glu)

Gene: COL6A1 (collagen type VI alpha 1 chain; plus strand). Cytogenetic location: 21q22.3.
Variant type: single nucleotide variant.
Coding change: c.1226C>A on transcript NM_001848.3 (MANE Select); coding-DNA position 1226, C replaced by A.
Protein change: p.Ala409Glu; replaces alanine 409 with glutamic acid.
Molecular consequence: missense variant.
Genome position (GRCh38, 1-based): chr21:45,992,207, C>A. VCF-style: chr21-45992207-C-A. GRCh37 (hg19) VCF-style: chr21-47412121-C-A.
Other names: short protein forms A409E.
Identifiers: ClinVar variation 286584 (VCV000286584.13), dbSNP rs765826390, ClinGen allele CA10070161.
Genomic context (GRCh38, chr21:45,992,207, plus strand): 5'-ACCCTTGTTCCCCACAGGGCCAGCCGGGAGAGCCTGGGCCCCCCGGAGAGAAAGGAGAGG[C>A]GGGCGACGAGGTGAGTGAGGGCTCCTGACACCTTCCTGGGGAAGTGCATGGCCTCAGCTT-3'
Protein context (NP_001839.2, residues 399-419): EPGPPGEKGE[Ala409Glu]GDEGNPGPDG

ClinVar aggregate classification (germline): Conflicting classifications of pathogenicity. Review status: criteria provided, conflicting classifications (1 of 4 stars). 3 submissions from 3 submitters: Uncertain significance (2); Likely benign (1). Last evaluated 2026-01-12.

Conditions:
Bethlem myopathy 1A. Also called: Bethlem Muscular Dystrophy; MYOPATHY, BENIGN CONGENITAL, WITH CONTRACTURES; Bethlem myopathy 1. Identifiers: Orphanet 610, MedGen CN029274, MONDO:0024530, OMIM 158810.

gnomAD v4.1: 8 of 1,613,660 alleles (0.0005%); highest among the groups gnomAD compares: Non-Finnish European, 0.00051%; no homozygotes.

Submissions (3):

Labcorp Genetics (formerly Invitae), Labcorp
Classification: Likely benign for Bethlem myopathy 1A. Last evaluated: 2026-01-12. Review status: criteria provided, single submitter. Criteria: Invitae Variant Classification Sherloc (09022015). Collection method: clinical testing. Allele origin: germline.

Baylor Genetics
Classification: Uncertain significance for Bethlem myopathy 1A. Last evaluated: 2020-05-07. Review status: criteria provided, single submitter. Criteria: ACMG Guidelines, 2015. Collection method: clinical testing. Allele origin: unknown. Affected: yes.
Comment: This variant was determined to be of uncertain significance according to ACMG Guidelines, 2015 [PMID:25741868].

Eurofins Ntd Llc (ga)
Classification: Uncertain significance. Last evaluated: 2016-03-10. Review status: criteria provided, single submitter. Criteria: EGL Classification Definitions 2015. Collection method: clinical testing. Allele origin: germline. Observed: 1 variant allele, 1 heterozygote.